The following is an entry in ClinVar:

NM_002691.4(POLD1):c.202+21T>C

Gene: POLD1 (DNA polymerase delta 1, catalytic subunit; plus strand). Cytogenetic location: 19q13.33.
Variant type: single nucleotide variant.
Coding change: c.202+21T>C on transcript NM_002691.4 (MANE Select); 21 bases into the intron after coding-DNA position 202, T replaced by C.
Molecular consequence: intron variant.
Genome position (GRCh38, 1-based): chr19:50,399,074, T>C. VCF-style: chr19-50399074-T-C. GRCh37 (hg19) VCF-style: chr19-50902331-T-C.
Other names: c.202+21T>C (NM_001256849.1, NM_001308632.1).
Identifiers: ClinVar variation 1292424 (VCV001292424.7), dbSNP rs1726787, ClinGen allele CA9595635.

ClinVar aggregate classification (germline): Benign. Review status: criteria provided, multiple submitters, no conflicts (2 of 4 stars). 4 submissions from 4 submitters: Benign (4). Last evaluated 2024-01-24.

Conditions:
Mandibular hypoplasia-deafness-progeroid syndrome. Also called: Mandibular hypoplasia, deafness, progeroid features, and lipodystrophy syndrome. Identifiers: Orphanet 363649, MedGen C3715192, MONDO:0014157, OMIM 615381.

Allele frequency attached by ClinVar (database versions not stated): gnomAD exomes 0.08559 and 0.11395; ESP Exome Variant Server 0.13412; gnomAD 0.13782 and 0.13870; TOPMed 0.14876; ExAC 0.16382; 1000 Genomes Project 0.18770; 1000 Genomes Project 30x 0.19019.
gnomAD v4.1: 141,572 of 1,550,262 alleles (9.1%); highest among the groups gnomAD compares: African/African-American, 29%; 9,181 homozygotes.

Submissions (4):

Unidad de Genómica Garrahan, Hospital de Pediatría Garrahan
Classification: Benign. Last evaluated: 2024-01-24. Review status: criteria provided, single submitter. Criteria: ACMG Guidelines, 2015. Collection method: clinical testing. Allele origin: germline. Affected: no. Observed: 21 variant alleles.
Comment: This variant is classified as Benign based on local population frequency. This variant was detected in 22% of patients studied by a panel of primary immunodeficiencies. Number of patients: 21. Only high quality variants are reported.

Genome-Nilou Lab
Classification: Benign for Mandibular hypoplasia-deafness-progeroid syndrome. Last evaluated: 2021-10-25. Review status: criteria provided, single submitter. Criteria: ACMG Guidelines, 2015. Collection method: clinical testing. Allele origin: germline. Affected: no.

GeneDx
Classification: Benign. Last evaluated: 2018-06-24. Review status: criteria provided, single submitter. Criteria: GeneDx Variant Classification Process June 2021. Collection method: clinical testing. Allele origin: germline. Affected: yes.

Breakthrough Genomics
Classification: Benign. Review status: criteria provided, single submitter. Criteria: ACMG Guidelines, 2015. Collection method: not provided. Allele origin: germline. Inheritance: Autosomal dominant inheritance. Affected: yes.